The following is an entry in ClinVar:

ClinVar aggregate classification (germline): Conflicting classifications of pathogenicity. Review status: criteria provided, conflicting classifications (1 of 4 stars). 5 submissions from 5 submitters: Likely pathogenic (1); Uncertain significance (4). Last evaluated 2024-09-11.

Conditions:
Cardiovascular phenotype. Identifiers: MedGen CN230736.
MYBPC3-related disorder. Also called: MYBPC3-related condition; MYBPC3-related disease; MYBPC3-related disorders.
Hypertrophic cardiomyopathy. Also called: HYPERTROPHIC MYOCARDIOPATHY. Identifiers: Orphanet 217569, MedGen C0007194, MeSH D002312, MONDO:0005045, HP:0001639.

Allele frequency attached by ClinVar (database versions not stated): gnomAD exomes below 0.00001.
gnomAD v4.1: 3 of 1,610,974 alleles (0.00019%); highest among the groups gnomAD compares: Non-Finnish European, 0.00025%; no homozygotes.

Submissions (5):

All of Us Research Program, National Institutes of Health
Classification: Uncertain significance for Hypertrophic cardiomyopathy. Last evaluated: 2024-09-11. Review status: criteria provided, single submitter. Criteria: ACMG Guidelines, 2015. Collection method: clinical testing. Allele origin: germline. Inheritance: Autosomal dominant inheritance. Observed: 2 variant alleles, 2 heterozygotes.
Comment: This study involves interpretation of variants in research participants for the purpose of population health screening. Participant phenotype was not available at the time of variant classification. Additional details can be found in publication PMID: 35346344, PMCID: PMC8962531

Labcorp Genetics (formerly Invitae), Labcorp
Classification: Uncertain significance for Hypertrophic cardiomyopathy. Last evaluated: 2024-05-04. Review status: criteria provided, single submitter. Criteria: Invitae Variant Classification Sherloc (09022015). Collection method: clinical testing. Allele origin: germline.
Comment: This sequence change replaces isoleucine, which is neutral and non-polar, with asparagine, which is neutral and polar, at codon 1029 of the MYBPC3 protein (p.Ile1029Asn). This variant is not present in population databases (gnomAD no frequency). This variant has not been reported in the literature in individuals affected with MYBPC3-related conditions. ClinVar contains an entry for this variant (Variation ID: 180998). An algorithm developed to predict the effect of missense changes on protein structure and function (PolyPhen-2) suggests that this variant is likely to be disruptive. In summary, the available evidence is currently insufficient to determine the role of this variant in disease. Therefore, it has been classified as a Variant of Uncertain Significance.

Ambry Genetics
Classification: Uncertain significance for Cardiovascular phenotype. Last evaluated: 2023-07-07. Review status: criteria provided, single submitter. Criteria: Ambry Variant Classification Scheme 2023. Collection method: clinical testing. Allele origin: germline.
Comment: The p.I1029N variant (also known as c.3086T>A), located in coding exon 29 of the MYBPC3 gene, results from a T to A substitution at nucleotide position 3086. The isoleucine at codon 1029 is replaced by asparagine, an amino acid with dissimilar properties. This amino acid position is highly conserved in available vertebrate species. In addition, this alteration is predicted to be deleterious by in silico analysis. Since supporting evidence is limited at this time, the clinical significance of this alteration remains unclear.

Blueprint Genetics
Classification: Likely pathogenic for MYBPC3-related disorders. Last evaluated: 2017-10-19. Review status: criteria provided, single submitter. Criteria: ACMG Guidelines, 2015. Collection method: clinical testing. Allele origin: germline. Affected: yes. Observed: 1 variant allele.

GeneDx
Classification: Uncertain significance. Last evaluated: 2017-10-19. Review status: criteria provided, single submitter. Criteria: GeneDx Variant Classification (06012015). Collection method: clinical testing. Allele origin: germline. Affected: yes.
Comment: A variant of uncertain significance has been identified in the MYBPC3 gene. The I1029N variant has not been published as pathogenic or been reported as benign to our knowledge. I1029N is not observed in large population cohorts (Lek et al., 2016). The I1029N variant is a non-conservative amino acid substitution, which is likely to impact secondary protein structure as these residues differ in polarity, charge, size and/or other properties. Moreover, this substitution occurs at a position that is conserved across species, and in silico analysis predicts this variant is probably damaging to the protein structure/function. Although several missense variants in nearby residues (T1028I, T1028S, R1033W, R1033Q) have been reported in the Human Gene Mutation Database in association with cardiomyopathy (Stenson et al., 2014), the pathogenicity of each of these variants has not been definitively determined. Therefore, this variant lacks observation in a significant number of affected individuals and segregation data, which would further clarify its pathogenicity.

NM_000256.3(MYBPC3):c.3086T>A (p.Ile1029Asn)

Gene: MYBPC3 (myosin binding protein C3; minus strand). Cytogenetic location: 11p11.2.
Variant type: single nucleotide variant.
Coding change: c.3086T>A on transcript NM_000256.3 (MANE Select); coding-DNA position 3086, T replaced by A.
Protein change: p.Ile1029Asn; replaces isoleucine 1029 with asparagine.
Molecular consequence: missense variant.
Genome position (GRCh38, 1-based): chr11:47,333,661, A>T on the plus strand (T>A on the coding strand, the complement: MYBPC3 is on the minus strand). VCF-style: chr11-47333661-A-T. GRCh37 (hg19) VCF-style: chr11-47355212-A-T.
Other names: p.I1029N:ATC>AAC; c.3086T>A, p.Ile1029Asn (LRG_386t1); short protein forms I1029N.
Identifiers: ClinVar variation 180998 (VCV000180998.16), dbSNP rs730880587, ClinGen allele CA013434.